The following is an entry in ClinVar:

ClinVar aggregate classification (germline): Uncertain significance (1 of 4 stars; one submission).

Conditions:
Hyperekplexia 3 (HKPX3). Also called: HYPEREKPLEXIA 3, AUTOSOMAL RECESSIVE; HYPEREKPLEXIA 3, AUTOSOMAL DOMINANT. Identifiers: Orphanet 3197, MedGen C3553288, MONDO:0013827, OMIM 614618.

gnomAD v4.1: 8 of 1,613,730 alleles (0.0005%); highest among the groups gnomAD compares: Non-Finnish European, 0.00059%; no homozygotes.

Submission:

Labcorp Genetics (formerly Invitae), Labcorp
Classification: Uncertain significance for Hyperekplexia 3. Last evaluated: 2022-08-12. Review status: criteria provided, single submitter. Criteria: Invitae Variant Classification Sherloc (09022015). Collection method: clinical testing. Allele origin: germline.
Comment: In summary, the available evidence is currently insufficient to determine the role of this variant in disease. Therefore, it has been classified as a Variant of Uncertain Significance. Advanced modeling of protein sequence and biophysical properties (such as structural, functional, and spatial information, amino acid conservation, physicochemical variation, residue mobility, and thermodynamic stability) performed at Invitae indicates that this missense variant is not expected to disrupt SLC6A5 protein function. This variant has not been reported in the literature in individuals affected with SLC6A5-related conditions. This variant is present in population databases (no rsID available, gnomAD 0.0009%). This sequence change replaces valine, which is neutral and non-polar, with isoleucine, which is neutral and non-polar, at codon 332 of the SLC6A5 protein (p.Val332Ile).

NM_004211.5(SLC6A5):c.994G>A (p.Val332Ile)

Gene: SLC6A5 (solute carrier family 6 member 5; plus strand). Cytogenetic location: 11p15.1.
Variant type: single nucleotide variant.
Coding change: c.994G>A on transcript NM_004211.5 (MANE Select); coding-DNA position 994, G replaced by A.
Protein change: p.Val332Ile; replaces valine 332 with isoleucine.
Molecular consequence: missense variant.
Genome position (GRCh38, 1-based): chr11:20,614,687, G>A. VCF-style: chr11-20614687-G-A. GRCh37 (hg19) VCF-style: chr11-20636233-G-A.
Other names: c.292G>A, p.Val98Ile (NM_001318369.2); short protein forms V332I, V98I.
Identifiers: ClinVar variation 1716231 (VCV001716231.5), dbSNP rs1442798403, ClinGen allele CA379915534.